The following is an entry in ClinVar:

NM_001278293.3(ARL6):c.122A>G (p.Asn41Ser)

Gene: ARL6 (ARF like GTPase 6; plus strand). Cytogenetic location: 3q11.2.
Variant type: single nucleotide variant.
Coding change: c.122A>G on transcript NM_001278293.3 (MANE Select); coding-DNA position 122, A replaced by G.
Protein change: p.Asn41Ser; replaces asparagine 41 with serine.
Molecular consequence: missense variant. On other transcripts: non-coding transcript variant (7).
Genome position (GRCh38, 1-based): chr3:97,768,229, A>G. VCF-style: chr3-97768229-A-G. GRCh37 (hg19) VCF-style: chr3-97487073-A-G.
Other names: c.122A>G, p.Asn41Ser (NM_001323513.2, NM_001323514.2, NM_032146.5 and 1 more transcripts); short protein forms N41S.
Identifiers: ClinVar variation 1513284 (VCV001513284.6), dbSNP rs1488740103, ClinGen allele CA353582813.

ClinVar aggregate classification (germline): Uncertain significance (1 of 4 stars; one submission).

Conditions:
Bardet-Biedl syndrome 3 (BBS3). Identifiers: Orphanet 110, MedGen C1859564, MONDO:0010832, OMIM 600151.
Retinitis pigmentosa 55 (RP55). Identifiers: Orphanet 791, MedGen C3150808, MONDO:0013312, OMIM 613575.

Allele frequency attached by ClinVar (database versions not stated): gnomAD exomes below 0.00001.
gnomAD v4.1: 1 of 1,612,142 alleles (0.000062%); no homozygotes.

Submission:

Labcorp Genetics (formerly Invitae), Labcorp
Classification: Uncertain significance for Retinitis pigmentosa 55; Bardet-Biedl syndrome 3. Last evaluated: 2025-06-04. Review status: criteria provided, single submitter. Criteria: Invitae Variant Classification Sherloc (09022015). Collection method: clinical testing. Allele origin: germline.
Comment: This sequence change replaces asparagine, which is neutral and polar, with serine, which is neutral and polar, at codon 41 of the ARL6 protein (p.Asn41Ser). This variant is present in population databases (no rsID available, gnomAD 0.0009%). This variant has not been reported in the literature in individuals affected with ARL6-related conditions. ClinVar contains an entry for this variant (Variation ID: 1513284). An algorithm developed to predict the effect of missense changes on protein structure and function (PolyPhen-2) suggests that this variant is likely to be tolerated. In summary, the available evidence is currently insufficient to determine the role of this variant in disease. Therefore, it has been classified as a Variant of Uncertain Significance.